The following is an entry in ClinVar:

NM_001271.4(CHD2):c.366T>G (p.Phe122Leu)

Gene: CHD2 (chromodomain helicase DNA binding protein 2; plus strand). Cytogenetic location: 15q26.1.
Variant type: single nucleotide variant.
Coding change: c.366T>G on transcript NM_001271.4 (MANE Select); coding-DNA position 366, T replaced by G.
Protein change: p.Phe122Leu; replaces phenylalanine 122 with leucine.
Molecular consequence: missense variant.
Genome position (GRCh38, 1-based): chr15:92,927,315, T>G. VCF-style: chr15-92927315-T-G. GRCh37 (hg19) VCF-style: chr15-93470545-T-G.
Other names: c.366T>G, p.Phe122Leu (NM_001042572.3); short protein forms F122L.
Identifiers: ClinVar variation 1714890 (VCV001714890.6), dbSNP rs2505393404, ClinGen allele CA393897007.

ClinVar aggregate classification (germline): Uncertain significance (1 of 4 stars; one submission).

Conditions:
Developmental and epileptic encephalopathy 94 (DEE94). Also called: CHD2-Related Neurodevelopmental Disorders; Epileptic encephalopathy, childhood-onset. Identifiers: Orphanet 1942, Orphanet 2382, MedGen C3809278, MONDO:0014150, OMIM 615369.

Allele frequency attached by ClinVar (database versions not stated): gnomAD exomes below 0.00001.
gnomAD v4.1: 3 of 1,613,436 alleles (0.00019%); highest among the groups gnomAD compares: Non-Finnish European, 0.00017%; no homozygotes.

Submission:

Labcorp Genetics (formerly Invitae), Labcorp
Classification: Uncertain significance for Developmental and epileptic encephalopathy 94. Last evaluated: 2024-10-25. Review status: criteria provided, single submitter. Criteria: Invitae Variant Classification Sherloc (09022015). Collection method: clinical testing. Allele origin: germline.
Comment: This sequence change replaces phenylalanine, which is neutral and non-polar, with leucine, which is neutral and non-polar, at codon 122 of the CHD2 protein (p.Phe122Leu). This variant is not present in population databases (gnomAD no frequency). This variant has not been reported in the literature in individuals affected with CHD2-related conditions. ClinVar contains an entry for this variant (Variation ID: 1714890). Invitae Evidence Modeling of protein sequence and biophysical properties (such as structural, functional, and spatial information, amino acid conservation, physicochemical variation, residue mobility, and thermodynamic stability) indicates that this missense variant is not expected to disrupt CHD2 protein function with a negative predictive value of 95%. In summary, the available evidence is currently insufficient to determine the role of this variant in disease. Therefore, it has been classified as a Variant of Uncertain Significance.